The following is an entry in ClinVar:

ClinVar aggregate classification (germline): Uncertain significance (1 of 4 stars; one submission).

Allele frequency attached by ClinVar (database versions not stated): gnomAD exomes 0.00002; ExAC 0.00005; TOPMed 0.00007; 1000 Genomes Project 30x 0.00016; 1000 Genomes Project 0.00020.
gnomAD v4.1: 35 of 1,613,888 alleles (0.0022%); highest among the groups gnomAD compares: African/African-American, 0.021%; no homozygotes.

Submission:

Labcorp Genetics (formerly Invitae), Labcorp
Classification: Uncertain significance. Last evaluated: 2022-02-07. Review status: criteria provided, single submitter. Criteria: Invitae Variant Classification Sherloc (09022015). Collection method: clinical testing. Allele origin: germline.
Comment: In summary, the available evidence is currently insufficient to determine the role of this variant in disease. Therefore, it has been classified as a Variant of Uncertain Significance. Algorithms developed to predict the effect of missense changes on protein structure and function are either unavailable or do not agree on the potential impact of this missense change (SIFT: "Tolerated"; PolyPhen-2: "Possibly Damaging"; Align-GVGD: "Class C0"). This variant has not been reported in the literature in individuals affected with DNAH9-related conditions. This variant is present in population databases (rs547406325, gnomAD 0.02%). This sequence change replaces arginine, which is basic and polar, with glutamine, which is neutral and polar, at codon 4393 of the DNAH9 protein (p.Arg4393Gln).

NM_001372.4(DNAH9):c.13178G>A (p.Arg4393Gln)

Gene: DNAH9 (dynein axonemal heavy chain 9; plus strand). Cytogenetic location: 17p12.
Variant type: single nucleotide variant.
Coding change: c.13178G>A on transcript NM_001372.4 (MANE Select); coding-DNA position 13178, G replaced by A.
Protein change: p.Arg4393Gln; replaces arginine 4393 with glutamine.
Molecular consequence: missense variant.
Genome position (GRCh38, 1-based): chr17:11,962,201, G>A. VCF-style: chr17-11962201-G-A. GRCh37 (hg19) VCF-style: chr17-11865518-G-A.
Other names: c.2114G>A, p.Arg705Gln (NM_004662.2); short protein forms R4393Q, R705Q.
Identifiers: ClinVar variation 2420872 (VCV002420872.4), dbSNP rs547406325, ClinGen allele CA8398360.